The following is an entry in ClinVar:

ClinVar aggregate classification (germline): Uncertain significance (1 of 4 stars; one submission).

Conditions:
Cardiovascular phenotype. Identifiers: MedGen CN230736.

Submission:

Ambry Genetics
Classification: Uncertain significance for Cardiovascular phenotype. Last evaluated: 2026-04-11. Review status: criteria provided, single submitter. Criteria: Ambry Variant Classification Scheme 2023. Collection method: clinical testing. Allele origin: germline.
Comment: The p.C22F variant (also known as c.65G>T), located in coding exon 1 of the JAG1 gene, results from a G to T substitution at nucleotide position 65. The cysteine at codon 22 is replaced by phenylalanine, an amino acid with highly dissimilar properties. This amino acid position is conserved. In addition, this alteration is predicted to be tolerated by in silico analysis. Based on the available evidence, the clinical significance of this variant remains unclear.

NM_000214.3(JAG1):c.65G>T (p.Cys22Phe)

Gene: JAG1 (jagged canonical Notch ligand 1; minus strand). Cytogenetic location: 20p12.2.
Variant type: single nucleotide variant.
Coding change: c.65G>T on transcript NM_000214.3 (MANE Select); coding-DNA position 65, G replaced by T.
Protein change: p.Cys22Phe; replaces cysteine 22 with phenylalanine.
Molecular consequence: missense variant.
Genome position (GRCh38, 1-based): chr20:10,673,466, C>A on the plus strand (G>T on the coding strand, the complement: JAG1 is on the minus strand). VCF-style: chr20-10673466-C-A. GRCh37 (hg19) VCF-style: chr20-10654114-C-A.
Other names: short protein forms C22F.
Identifiers: ClinVar variation 4858549 (VCV004858549.1).